The following is an entry in ClinVar:

NM_001267550.2(TTN):c.96931del (p.Met32311fs)

Genes: TTN-AS1 (TTN antisense RNA 1; plus strand), TTN (titin; minus strand), LOC126806421 (CDK7 strongly-dependent group 2 enhancer GRCh37_chr2:179407630-179408829; plus strand). Cytogenetic location: 2q31.2.
Variant type: Deletion.
Coding change: c.96931del on transcript NM_001267550.2 (MANE Select); coding-DNA position 96931, one base deleted (A; older notation c.96931delA).
Protein change: p.Met32311fs; shifts the reading frame from methionine 32311.
Molecular consequence: frameshift variant.
Genome position (GRCh38, 1-based): chr2:178,542,923, T deleted on the plus strand (A on the coding strand, the reverse complement: TTN is on the minus strand); the first of 2 consecutive T bases (chr2:178,542,923-178,542,924); deleting either gives the same sequence. VCF-style (leftmost placement, unchanged base first): chr2-178542922-AT-A. GRCh37 (hg19) VCF-style: chr2-179407649-AT-A.
Other names: c.92008del, p.Met30670fs (NM_001256850.1); c.69736del, p.Met23246fs (NM_003319.4); c.89227del, p.Met29743fs (NM_133378.4); c.70111del, p.Met23371fs (NM_133432.3); c.70312del, p.Met23438fs (NM_133437.4); short protein forms M23371fs, M29743fs, M32311fs, M23246fs, M23438fs, M30670fs.
Identifiers: ClinVar variation 4785051 (VCV004785051.1).

ClinVar aggregate classification (germline): Likely pathogenic (1 of 4 stars; one submission).

Conditions:
Autosomal recessive limb-girdle muscular dystrophy type 2J (LGMDR10). Also called: Limb-girdle muscular dystrophy, type 2J; MUSCULAR DYSTROPHY, LIMB-GIRDLE, AUTOSOMAL RECESSIVE 10. Identifiers: Orphanet 140922, MedGen C1837342, MONDO:0012127, OMIM 608807.
Dilated cardiomyopathy 1G (CMD1G). Identifiers: Orphanet 154, MedGen C1858763, MONDO:0011400, OMIM 604145.

Submission:

Labcorp Genetics (formerly Invitae), Labcorp
Classification: Likely pathogenic for Dilated cardiomyopathy 1G; Autosomal recessive limb-girdle muscular dystrophy type 2J. Last evaluated: 2025-05-27. Review status: criteria provided, single submitter. Criteria: Invitae Variant Classification Sherloc (09022015). Collection method: clinical testing. Allele origin: germline.
Comment: This sequence change creates a premature translational stop signal (p.Met32311Cysfs*14) in the TTN gene. While this is not anticipated to result in nonsense mediated decay, it is expected to create a truncated TTN protein. This variant is not present in population databases (gnomAD no frequency). This variant has not been reported in the literature in individuals affected with TTN-related conditions. This variant is located in the A band of TTN (PMID: 25589632). Truncating variants in this region are significantly overrepresented in patients affected with dilated cardiomyopathy (PMID: 25589632). Truncating variants in this region have also been reported in individuals affected with autosomal recessive centronuclear myopathy (PMID: 23975875). In summary, the currently available evidence indicates that the variant is pathogenic, but additional data are needed to prove that conclusively. Therefore, this variant has been classified as Likely Pathogenic.

Literature cited by the submitters: PubMed 25589632; PubMed 23975875.